The following is an entry in ClinVar:

ClinVar aggregate classification (germline): Pathogenic (1 of 4 stars; one submission).

Conditions:
Distal myopathy with posterior leg and anterior hand involvement. Also called: WILLIAMS DISTAL MYOPATHY. Identifiers: Orphanet 63273, MedGen C3279722, MONDO:0013550, OMIM 614065.
Hypertrophic cardiomyopathy 26. Also called: Cardiomyopathy, familial hypertrophic, 26. Identifiers: Orphanet 75249, MedGen C4310749, MONDO:0014883, OMIM 617047.
Myofibrillar myopathy 5. Also called: FILAMINOPATHY, AUTOSOMAL DOMINANT; Filaminopathy (type). Identifiers: Orphanet 171445, MedGen C1836050, MONDO:0012289, OMIM 609524.

Submission:

Labcorp Genetics (formerly Invitae), Labcorp
Classification: Pathogenic for Distal myopathy with posterior leg and anterior hand involvement; Myofibrillar myopathy 5; Hypertrophic cardiomyopathy 26. Last evaluated: 2022-07-11. Review status: criteria provided, single submitter. Criteria: Invitae Variant Classification Sherloc (09022015). Collection method: clinical testing. Allele origin: germline.
Comment: For these reasons, this variant has been classified as Pathogenic. ClinVar contains an entry for this variant (Variation ID: 1456456). This variant has not been reported in the literature in individuals affected with FLNC-related conditions. This variant is not present in population databases (gnomAD no frequency). This sequence change creates a premature translational stop signal (p.Glu220Argfs*32) in the FLNC gene. It is expected to result in an absent or disrupted protein product. Loss-of-function variants in FLNC are known to be pathogenic (PMID: 27908349).

Literature cited by the submitters: PubMed 27908349.

NM_001458.5(FLNC):c.658del (p.Glu220fs)

Gene: FLNC (filamin C; plus strand). Cytogenetic location: 7q32.1.
Variant type: Deletion.
Coding change: c.658del on transcript NM_001458.5 (MANE Select); coding-DNA position 658, one base deleted (G; older notation c.658delG).
Protein change: p.Glu220fs; shifts the reading frame from glutamic acid 220.
Molecular consequence: frameshift variant.
Genome position (GRCh38, 1-based): chr7:128,837,216, G deleted; the last of 3 consecutive G bases (chr7:128,837,214-128,837,216); deleting any one gives the same sequence. VCF-style (leftmost placement, unchanged base first): chr7-128837213-CG-C. GRCh37 (hg19) VCF-style: chr7-128477267-CG-C.
Other names: c.658del, p.Glu220fs (NM_001127487.2); short protein forms E220fs.
Identifiers: ClinVar variation 1456456 (VCV001456456.6), dbSNP rs2128934070, ClinGen allele CA2573141753.
Genomic context (GRCh38, chr7:128,837,213, plus strand): 5'-TCTCCAGGTCTCTGCCCCGACTGGGAGGCCTGGGACCCCAACCAGCCCGTGGAGAACGCC[CG>C]GGAGGCCATGCAGCAGGCCGACGACTGGCTTGGGGTGCCCCAGGTACATGCGCAGATGGG-3'